The following is an entry in ClinVar:

ClinVar aggregate classification (germline): Conflicting classifications of pathogenicity. Review status: criteria provided, conflicting classifications (1 of 4 stars). 5 submissions from 5 submitters: Uncertain significance (3); Likely benign (2). Last evaluated 2026-07-27.

Conditions:
APPL1-related disorder. Also called: APPL1-related condition.
Monogenic diabetes. Identifiers: Orphanet 183625, MedGen C3888631, MONDO:0015967.

Allele frequency attached by ClinVar (database versions not stated): TOPMed 0.00042; ExAC 0.00043; ESP Exome Variant Server 0.00046; gnomAD 0.00046; gnomAD exomes 0.00060.
gnomAD v4.1: 954 of 1,613,482 alleles (0.059%); highest among the groups gnomAD compares: Middle Eastern, 0.13%; 1 homozygote.

Submissions (5):

PreventionGenetics, part of Exact Sciences
Classification: Likely benign for APPL1-related condition. Last evaluated: 2026-07-27. Review status: criteria provided, single submitter. Criteria: ACMG Guidelines, 2015. Collection method: clinical testing. Allele origin: germline.
Comment: This variant is classified as likely benign based on ACMG/AMP sequence variant interpretation guidelines (Richards et al. 2015 PMID: 25741868, with internal and published modifications).

Women's Health and Genetics/Laboratory Corporation of America, LabCorp
Classification: Uncertain significance. Last evaluated: 2026-05-27. Review status: criteria provided, single submitter. Criteria: LabCorp Variant Classification Summary - May 2015. Collection method: clinical testing. Allele origin: germline.
Comment: Variant summary: APPL1 c.1888G>C (p.Glu630Gln) results in a conservative amino acid change in the encoded protein sequence. Algorithms developed to predict the effect of missense changes on protein structure and function are either unavailable or do not agree on the potential impact of this missense change. The variant allele was found at a frequency of 0.00043 in 250628 control chromosomes (gnomAD). This frequency is not significantly higher than estimated for disease-causing variants in APPL1, allowing no conclusion about variant significance. c.1888G>C has been observed in individual(s) affected with type 1 diabetes (Yu_2019). These report(s) do not provide unequivocal conclusions about association of the variant with disease. To our knowledge, no experimental evidence demonstrating an impact on protein function has been reported. The following publication has been ascertained in the context of this evaluation (PMID: 31264968). ClinVar contains an entry for this variant (Variation ID: 2157308). Based on the evidence outlined above, the variant was classified as uncertain significance.

Labcorp Genetics (formerly Invitae), Labcorp
Classification: Uncertain significance. Last evaluated: 2025-08-04. Review status: criteria provided, single submitter. Criteria: Invitae Variant Classification Sherloc (09022015). Collection method: clinical testing. Allele origin: germline.
Comment: This sequence change replaces glutamic acid, which is acidic and polar, with glutamine, which is neutral and polar, at codon 630 of the APPL1 protein (p.Glu630Gln). This variant is present in population databases (rs142229340, gnomAD 0.07%), and has an allele count higher than expected for a pathogenic variant. This missense change has been observed in individual(s) with clinical features of type 1 diabetes (PMID: 31264968). ClinVar contains an entry for this variant (Variation ID: 2157308). An algorithm developed to predict the effect of missense changes on protein structure and function (PolyPhen-2) suggests that this variant is likely to be disruptive. In summary, the available evidence is currently insufficient to determine the role of this variant in disease. Therefore, it has been classified as a Variant of Uncertain Significance.

Blueprint Genetics
Classification: Likely benign. Last evaluated: 2024-10-29. Review status: criteria provided, single submitter. Criteria: ACMG Guidelines, 2015. Collection method: clinical testing. Allele origin: germline.

Department of Pathology and Laboratory Medicine, Sinai Health System
Classification: Uncertain significance for monogenic diabetes. Last evaluated: 2023-08-04. Review status: criteria provided, single submitter. Criteria: ACMG Guidelines, 2015. Collection method: research. Allele origin: germline.

Literature cited by the submitters: PubMed 31264968 (cited by Women's Health and Genetics/Laboratory Corporation of America, LabCorp and Labcorp Genetics (formerly Invitae), Labcorp).

NM_012096.3(APPL1):c.1888G>C (p.Glu630Gln)

Gene: APPL1 (adaptor protein, phosphotyrosine interacting with PH domain and leucine zipper 1; plus strand). Cytogenetic location: 3p14.3.
Variant type: single nucleotide variant.
Coding change: c.1888G>C on transcript NM_012096.3 (MANE Select); coding-DNA position 1888, G replaced by C.
Protein change: p.Glu630Gln; replaces glutamic acid 630 with glutamine.
Molecular consequence: missense variant.
Genome position (GRCh38, 1-based): chr3:57,267,787, G>C. VCF-style: chr3-57267787-G-C. GRCh37 (hg19) VCF-style: chr3-57301815-G-C.
Other names: c.1888G>C (NM_012096.2); short protein forms E630Q.
Identifiers: ClinVar variation 2157308 (VCV002157308.9), dbSNP rs142229340, ClinGen allele CA2463954.